The following is an entry in ClinVar:

ClinVar aggregate classification (germline): Uncertain significance (1 of 4 stars; one submission).

Conditions:
Combined immunodeficiency due to OX40 deficiency. Also called: OX40 DEFICIENCY; Immunodeficiency 16. Identifiers: Orphanet 431149, MedGen C3810053, MONDO:0014268, OMIM 615593.

Allele frequency attached by ClinVar (database versions not stated): gnomAD exomes below 0.00001.
gnomAD v4.1: 2 of 1,475,360 alleles (0.00014%); highest among the groups gnomAD compares: South Asian, 0.0025%; no homozygotes.

Submission:

Labcorp Genetics (formerly Invitae), Labcorp
Classification: Uncertain significance for Combined immunodeficiency due to OX40 deficiency. Last evaluated: 2025-11-12. Review status: criteria provided, single submitter. Criteria: Invitae Variant Classification Sherloc (09022015). Collection method: clinical testing. Allele origin: germline.
Comment: This sequence change replaces alanine, which is neutral and non-polar, with valine, which is neutral and non-polar, at codon 140 of the TNFRSF4 protein (p.Ala140Val). This variant is not present in population databases (gnomAD no frequency). This variant has not been reported in the literature in individuals affected with TNFRSF4-related conditions. ClinVar contains an entry for this variant (Variation ID: 1498583). Invitae Evidence Modeling of protein sequence and biophysical properties (such as structural, functional, and spatial information, amino acid conservation, physicochemical variation, residue mobility, and thermodynamic stability) indicates that this missense variant is not expected to disrupt TNFRSF4 protein function with a negative predictive value of 80%. Algorithms developed to predict the effect of sequence changes on RNA splicing suggest that this variant may create or strengthen a splice site. In summary, the available evidence is currently insufficient to determine the role of this variant in disease. Therefore, it has been classified as a Variant of Uncertain Significance.

NM_003327.4(TNFRSF4):c.419C>T (p.Ala140Val)

Gene: TNFRSF4 (TNF receptor superfamily member 4; minus strand). Cytogenetic location: 1p36.33.
Variant type: single nucleotide variant.
Coding change: c.419C>T on transcript NM_003327.4 (MANE Select); coding-DNA position 419, C replaced by T.
Protein change: p.Ala140Val; replaces alanine 140 with valine.
Molecular consequence: missense variant.
Genome position (GRCh38, 1-based): chr1:1,212,656, G>A on the plus strand (C>T on the coding strand, the complement: TNFRSF4 is on the minus strand). VCF-style: chr1-1212656-G-A. GRCh37 (hg19) VCF-style: chr1-1148036-G-A.
Other names: short protein forms A140V.
Identifiers: ClinVar variation 1498583 (VCV001498583.8), dbSNP rs2100952849, ClinGen allele CA337800880.